The following is an entry in ClinVar:

NM_032634.4(PIGO):c.787G>A (p.Val263Met)

Gene: PIGO (phosphatidylinositol glycan anchor biosynthesis class O; minus strand). Cytogenetic location: 9p13.3.
Variant type: single nucleotide variant.
Coding change: c.787G>A on transcript NM_032634.4 (MANE Select); coding-DNA position 787, G replaced by A.
Protein change: p.Val263Met; replaces valine 263 with methionine.
Molecular consequence: missense variant.
Genome position (GRCh38, 1-based): chr9:35,093,573, C>T on the plus strand (G>A on the coding strand, the complement: PIGO is on the minus strand). VCF-style: chr9-35093573-C-T. GRCh37 (hg19) VCF-style: chr9-35093570-C-T.
Other names: c.787G>A, p.Val263Met (NM_001201484.2, NM_152850.4); short protein forms V263M.
Identifiers: ClinVar variation 949675 (VCV000949675.9), dbSNP rs1829535554, ClinGen allele CA373323484.
Genomic context (GRCh38, chr9:35,093,573, plus strand): 5'-TTGTGGTCATCCCATGGTCCCCAGCCACTACCAGCAGTGTGTCATTCTCCAGACGCTCCA[C>T]AAGTCCCCTGGGGGCCAATAAATGTGTCAGGAGTAGAAACGGATAAATATTTTTCTCAAA-3'
Protein context (NP_116023.2, residues 253-273): SQMDQVIQGL[Val263Met]ERLENDTLLV

ClinVar aggregate classification (germline): Uncertain significance (1 of 4 stars; one submission).

Conditions:
Hyperphosphatasia with impaired intellectual development syndrome 2. Also called: Hyperphosphatasia with intellectual disability syndrome 2; GLYCOSYLPHOSPHATIDYLINOSITOL BIOSYNTHESIS DEFECT 6. Identifiers: Orphanet 247262, MedGen C3553637, MONDO:0013882, OMIM 614749.

Submission:

Labcorp Genetics (formerly Invitae), Labcorp
Classification: Uncertain significance for Hyperphosphatasia with impaired intellectual development syndrome 2. Last evaluated: 2022-02-10. Review status: criteria provided, single submitter. Criteria: Invitae Variant Classification Sherloc (09022015). Collection method: clinical testing. Allele origin: germline.
Comment: In summary, the available evidence is currently insufficient to determine the role of this variant in disease. Therefore, it has been classified as a Variant of Uncertain Significance. Algorithms developed to predict the effect of missense changes on protein structure and function output the following: SIFT: "Deleterious"; PolyPhen-2: "Benign"; Align-GVGD: "Class C0". The methionine amino acid residue is found in multiple mammalian species, which suggests that this missense change does not adversely affect protein function. ClinVar contains an entry for this variant (Variation ID: 949675). This variant has not been reported in the literature in individuals affected with PIGO-related conditions. This variant is not present in population databases (gnomAD no frequency). This sequence change replaces valine, which is neutral and non-polar, with methionine, which is neutral and non-polar, at codon 263 of the PIGO protein (p.Val263Met).